The following is an entry in ClinVar:

NM_004977.3(KCNC3):c.1189G>A (p.Gly397Ser)

Gene: KCNC3 (potassium voltage-gated channel subfamily C member 3; minus strand). Cytogenetic location: 19q13.33.
Variant type: single nucleotide variant.
Coding change: c.1189G>A on transcript NM_004977.3 (MANE Select); coding-DNA position 1189, G replaced by A.
Protein change: p.Gly397Ser; replaces glycine 397 with serine.
Molecular consequence: missense variant.
Genome position (GRCh38, 1-based): chr19:50,323,764, C>T on the plus strand (G>A on the coding strand, the complement: KCNC3 is on the minus strand). VCF-style: chr19-50323764-C-T. GRCh37 (hg19) VCF-style: chr19-50827021-C-T.
Other names: c.961G>A, p.Gly321Ser (NM_001372305.1); short protein forms G397S, G321S.
Identifiers: ClinVar variation 2878404 (VCV002878404.3), dbSNP rs2037067551, ClinGen allele CA406952292.
Genomic context (GRCh38, chr19:50,323,764, plus strand): 5'-GGACCACCCGCAGGAAGCCCAGCACGTCTTTGGCGGCCTTGGAGCTGAGGCCCGAGAGGC[C>T]CACCTCGAGATAGAAGGGCAGGATGGCCACACAGTCGATGATGTTGAGGCTGCTTTTAAG-3'
Protein context (NP_004968.2, residues 387-407): VAILPFYLEV[Gly397Ser]LSGLSSKAAK

ClinVar aggregate classification (germline): Uncertain significance (1 of 4 stars; one submission).

Submission:

Labcorp Genetics (formerly Invitae), Labcorp
Classification: Uncertain significance. Last evaluated: 2022-12-07. Review status: criteria provided, single submitter. Criteria: Invitae Variant Classification Sherloc (09022015). Collection method: clinical testing. Allele origin: germline.
Comment: In summary, the available evidence is currently insufficient to determine the role of this variant in disease. Therefore, it has been classified as a Variant of Uncertain Significance. Advanced modeling of protein sequence and biophysical properties (such as structural, functional, and spatial information, amino acid conservation, physicochemical variation, residue mobility, and thermodynamic stability) performed at Invitae indicates that this missense variant is expected to disrupt KCNC3 protein function. This variant has not been reported in the literature in individuals affected with KCNC3-related conditions. This variant is not present in population databases (gnomAD no frequency). This sequence change replaces glycine, which is neutral and non-polar, with serine, which is neutral and polar, at codon 397 of the KCNC3 protein (p.Gly397Ser).